The following is an entry in ClinVar:

NM_182920.2(ADAMTS9):c.422C>A (p.Ser141Tyr)

Genes: ADAMTS9 (ADAM metallopeptidase with thrombospondin type 1 motif 9; minus strand), ADAMTS9-AS2 (ADAMTS9 antisense RNA 2; plus strand). Cytogenetic location: 3p14.1.
Variant type: single nucleotide variant.
Coding change: c.422C>A on transcript NM_182920.2 (MANE Select); coding-DNA position 422, C replaced by A.
Protein change: p.Ser141Tyr; replaces serine 141 with tyrosine.
Molecular consequence: missense variant.
Genome position (GRCh38, 1-based): chr3:64,686,662, G>T on the plus strand (C>A on the coding strand, the complement: ADAMTS9 is on the minus strand). VCF-style: chr3-64686662-G-T. GRCh37 (hg19) VCF-style: chr3-64672338-G-T.
Other names: c.422C>A (NM_182920.1); c.422C>A, p.Ser141Tyr (NM_001318781.2); short protein forms S141Y.
Identifiers: ClinVar variation 1349467 (VCV001349467.7), dbSNP rs746670316, ClinGen allele CA2481877.

ClinVar aggregate classification (germline): Uncertain significance. Review status: criteria provided, multiple submitters, no conflicts (2 of 4 stars). 2 submissions from 2 submitters: Uncertain significance (2). Last evaluated 2025-12-03.

Allele frequency attached by ClinVar (database versions not stated): ExAC 0.00001; gnomAD exomes 0.00001 and 0.00002; gnomAD 0.00005 and 0.00006; TOPMed 0.00014.
gnomAD v4.1: 21 of 1,614,062 alleles (0.0013%); highest among the groups gnomAD compares: Admixed American, 0.02%; no homozygotes.

Submissions (2):

Labcorp Genetics (formerly Invitae), Labcorp
Classification: Uncertain significance. Last evaluated: 2025-12-03. Review status: criteria provided, single submitter. Criteria: Invitae Variant Classification Sherloc (09022015). Collection method: clinical testing. Allele origin: germline.
Comment: This sequence change replaces serine, which is neutral and polar, with tyrosine, which is neutral and polar, at codon 141 of the ADAMTS9 protein (p.Ser141Tyr). This variant is present in population databases (rs746670316, gnomAD 0.006%). This variant has not been reported in the literature in individuals affected with ADAMTS9-related conditions. ClinVar contains an entry for this variant (Variation ID: 1349467). An algorithm developed to predict the effect of missense changes on protein structure and function (PolyPhen-2) suggests that this variant is likely to be disruptive. In summary, the available evidence is currently insufficient to determine the role of this variant in disease. Therefore, it has been classified as a Variant of Uncertain Significance.

Ambry Genetics
Classification: Uncertain significance. Last evaluated: 2023-09-12. Review status: criteria provided, single submitter. Criteria: Ambry Variant Classification Scheme 2023. Collection method: clinical testing. Allele origin: germline.